The following is an entry in ClinVar:

NM_001348323.3(TRIP12):c.2922A>G (p.Val974=)

Gene: TRIP12 (thyroid hormone receptor interactor 12; minus strand). Cytogenetic location: 2q36.3.
Variant type: single nucleotide variant.
Coding change: c.2922A>G on transcript NM_001348323.3 (MANE Select); coding-DNA position 2922, A replaced by G.
Protein change: p.Val974=; no amino-acid change (valine 974 retained).
Molecular consequence: synonymous variant.
Genome position (GRCh38, 1-based): chr2:229,803,647, T>C on the plus strand (A>G on the coding strand, the complement: TRIP12 is on the minus strand). VCF-style: chr2-229803647-T-C. GRCh37 (hg19) VCF-style: chr2-230668363-T-C.
Other names: c.2841A>G, p.Val947= (NM_001284214.2, NM_001348315.2); c.2796A>G, p.Val932= (NM_001284215.2, NM_001348316.2, NM_001348317.1 and 1 more transcripts); c.1887A>G, p.Val629= (NM_001284216.2); c.2922A>G, p.Val974= (NM_001348319.1, NM_001348320.2, NM_001348322.1 and 4 more transcripts); c.2925A>G, p.Val975= (NM_001348321.1, NM_001348328.1, NM_001348329.2 and 1 more transcripts); c.2715A>G, p.Val905= (NM_001348331.1); c.2835A>G, p.Val945= (NM_001348332.1); c.2844A>G, p.Val948= (NM_001348333.1); and 1 more.
Identifiers: ClinVar variation 4085628 (VCV004085628.8).

ClinVar aggregate classification (germline): Likely benign (1 of 4 stars; one submission).

Submission:

CeGaT Center for Human Genetics Tuebingen
Classification: Likely benign. Last evaluated: 2025-08-01. Review status: criteria provided, single submitter. Criteria: CeGaT Center For Human Genetics Tuebingen Variant Classification Criteria Version 2. Collection method: clinical testing. Allele origin: germline. Affected: yes. Observed: 1 variant allele.
Comment: TRIP12: PM2:Supporting, BP4, BP7